The following is an entry in ClinVar:

NM_000051.4(ATM):c.8448A>G (p.Lys2816=)

Genes: ATM (ATM serine/threonine kinase; plus strand), C11orf65 (chromosome 11 open reading frame 65; minus strand). Cytogenetic location: 11q22.3.
Variant type: single nucleotide variant.
Coding change: c.8448A>G on transcript NM_000051.4 (MANE Select); coding-DNA position 8448, A replaced by G.
Protein change: p.Lys2816=; no amino-acid change (lysine 2816 retained).
Molecular consequence: synonymous variant. On other transcripts: intron variant (2).
Genome position (GRCh38, 1-based): chr11:108,345,772, A>G. VCF-style: chr11-108345772-A-G. GRCh37 (hg19) VCF-style: chr11-108216499-A-G.
Other names: c.8448A>G, p.Lys2816= (NM_001351834.2); c.641-36701T>C (NM_001330368.2); c.695-10480T>C (NM_001351110.2).
Identifiers: ClinVar variation 513193 (VCV000513193.7), dbSNP rs1555138048, ClinGen allele CA476673070.
Genomic context (GRCh38, chr11:108,345,772, plus strand): 5'-AAAAATAATTATATATATTCTCTATTTAAAGGAGGTGCAAAAAAAGTCTTTTGAAGAGAA[A>G]TATGAAGTCTTCATGGATGTTTGCCAAAATTTTCAACCAGTTTTCCGTTACTTCTGCATG-3'
Protein context (NP_000042.3, residues 2806-2826): MEVQKKSFEE[Lys2816=]YEVFMDVCQN

ClinVar aggregate classification (germline): Likely benign. Review status: criteria provided, multiple submitters, no conflicts (2 of 4 stars). 3 submissions from 3 submitters: Likely benign (3). Last evaluated 2025-01-01.

Conditions:
Hereditary cancer-predisposing syndrome. Also called: Hereditary Cancer Syndrome; Neoplastic Syndromes, Hereditary; Tumor predisposition; Hereditary neoplastic syndrome. Identifiers: Orphanet 140162, MedGen C0027672, MeSH D009386, MONDO:0015356.
Ataxia-telangiectasia syndrome (AT). Also called: Cerebello-oculocutaneous telangiectasia; Immunodeficiency with ataxia telangiectasia; Ataxia-telangiectasia, complementation group E; Ataxia-telangiectasia, complementation group D; AT, COMPLEMENTATION GROUP C; ATAXIA-TELANGIECTASIA, COMPLEMENTATION GROUP A. Identifiers: Orphanet 100, MedGen C0004135, MONDO:0008840, OMIM 208900.

Submissions (3):

Ambry Genetics
Classification: Likely benign for Hereditary cancer-predisposing syndrome. Last evaluated: 2025-01-01. Review status: criteria provided, single submitter. Criteria: Ambry Variant Classification Scheme 2023. Collection method: clinical testing. Allele origin: germline.

Labcorp Genetics (formerly Invitae), Labcorp
Classification: Likely benign for Ataxia-telangiectasia syndrome. Last evaluated: 2023-02-27. Review status: criteria provided, single submitter. Criteria: Invitae Variant Classification Sherloc (09022015). Collection method: clinical testing. Allele origin: germline.

GeneDx
Classification: Likely benign. Last evaluated: 2017-11-03. Review status: criteria provided, single submitter. Criteria: GeneDx Variant Classification (06012015). Collection method: clinical testing. Allele origin: germline. Affected: yes.
Comment: This variant is considered likely benign or benign based on one or more of the following criteria: it is a conservative change, it occurs at a poorly conserved position in the protein, it is predicted to be benign by multiple in silico algorithms, and/or has population frequency not consistent with disease.